The following is an entry in ClinVar:

ClinVar aggregate classification (germline): Likely benign (0 of 4 stars; one submission).

Conditions:
C6-related disorder. Also called: C6-related condition.

Allele frequency attached by ClinVar (database versions not stated): gnomAD exomes below 0.00001; gnomAD 0.00002; TOPMed 0.00008.

Submission:

PreventionGenetics, part of Exact Sciences
Classification: Likely benign for C6-related condition. Last evaluated: 2019-11-21. Review status: no assertion criteria provided. Collection method: clinical testing. Allele origin: germline.
Comment: This variant is classified as likely benign based on ACMG/AMP sequence variant interpretation guidelines (Richards et al. 2015 PMID: 25741868, with internal and published modifications).

NM_000065.5(C6):c.-3G>A

Gene: C6 (complement C6; minus strand). Cytogenetic location: 5p13.1.
Variant type: single nucleotide variant.
Coding change: c.-3G>A on transcript NM_000065.5 (MANE Select); 3 bases upstream of the start codon, G replaced by A.
Molecular consequence: 5 prime UTR variant.
Genome position (GRCh38, 1-based): chr5:41,203,233, C>T on the plus strand (G>A on the coding strand, the complement: C6 is on the minus strand). VCF-style: chr5-41203233-C-T. GRCh37 (hg19) VCF-style: chr5-41203335-C-T.
Other names: c.-3G>A (NM_001115131.4).
Identifiers: ClinVar variation 3048398 (VCV003048398.2), dbSNP rs929844208, ClinGen allele CA117795693.
Genomic context (GRCh38, chr5:41,203,233, plus strand): 5'-GGCCCTTGTTGATCAGAGCATTCAGCAGGATGAAGTACAAGACAGAGCGTCTGGCCATGC[C>T]TTGAGAGCCTCCAGGCCCTAAAATGAAAGAATACATAACACATATCAAATGCTTTTTTGA-3'